The following is an entry in ClinVar:

ClinVar aggregate classification (germline): Uncertain significance (1 of 4 stars; one submission).

Submission:

Labcorp Genetics (formerly Invitae), Labcorp
Classification: Uncertain significance. Last evaluated: 2022-03-13. Review status: criteria provided, single submitter. Criteria: Invitae Variant Classification Sherloc (09022015). Collection method: clinical testing. Allele origin: germline.
Comment: In summary, the available evidence is currently insufficient to determine the role of this variant in disease. Therefore, it has been classified as a Variant of Uncertain Significance. Algorithms developed to predict the effect of missense changes on protein structure and function are either unavailable or do not agree on the potential impact of this missense change (SIFT: "Deleterious"; PolyPhen-2: "Probably Damaging"; Align-GVGD: "Class C0"). This variant has not been reported in the literature in individuals affected with GRIN2D-related conditions. This variant is not present in population databases (gnomAD no frequency). This sequence change replaces aspartic acid, which is acidic and polar, with alanine, which is neutral and non-polar, at codon 373 of the GRIN2D protein (p.Asp373Ala).

NM_000836.4(GRIN2D):c.1118A>C (p.Asp373Ala)

Gene: GRIN2D (glutamate ionotropic receptor NMDA type subunit 2D; plus strand). Cytogenetic location: 19q13.33.
Variant type: single nucleotide variant.
Coding change: c.1118A>C on transcript NM_000836.4 (MANE Select); coding-DNA position 1118, A replaced by C.
Protein change: p.Asp373Ala; replaces aspartic acid 373 with alanine.
Molecular consequence: missense variant.
Genome position (GRCh38, 1-based): chr19:48,414,023, A>C. VCF-style: chr19-48414023-A-C. GRCh37 (hg19) VCF-style: chr19-48917280-A-C.
Other names: short protein forms D373A.
Identifiers: ClinVar variation 2053827 (VCV002053827.4), dbSNP rs2513670561, ClinGen allele CA406694864.